The following is an entry in ClinVar:

ClinVar aggregate classification (germline): Uncertain significance (1 of 4 stars; one submission).

Conditions:
Charcot-Marie-Tooth disease axonal type 2C (HMSN2C). Also called: CHARCOT-MARIE-TOOTH DISEASE, AXONAL, AUTOSOMAL DOMINANT, TYPE 2C; Charcot-Marie-Tooth Neuropathy Type 2C; Charcot-Marie-Tooth Disease Type 2, TRPV4-Related (CMT2C). Identifiers: Orphanet 99937, MedGen C1853710, MONDO:0011633, OMIM 606071.

Allele frequency attached by ClinVar (database versions not stated): ExAC 0.00003; gnomAD 0.00001; ESP Exome Variant Server 0.00008; TOPMed below 0.00001.
gnomAD v4.1: 2 of 1,612,860 alleles (0.00012%); highest among the groups gnomAD compares: African/African-American, 0.0013%; no homozygotes.

Submission:

Labcorp Genetics (formerly Invitae), Labcorp
Classification: Uncertain significance for Charcot-Marie-Tooth disease axonal type 2C. Last evaluated: 2022-01-26. Review status: criteria provided, single submitter. Criteria: Invitae Variant Classification Sherloc (09022015). Collection method: clinical testing. Allele origin: germline.
Comment: In summary, the available evidence is currently insufficient to determine the role of this variant in disease. Therefore, it has been classified as a Variant of Uncertain Significance. Advanced modeling of protein sequence and biophysical properties (such as structural, functional, and spatial information, amino acid conservation, physicochemical variation, residue mobility, and thermodynamic stability) performed at Invitae indicates that this missense variant is not expected to disrupt TRPV4 protein function. This variant has not been reported in the literature in individuals affected with TRPV4-related conditions. The frequency data for this variant in the population databases is considered unreliable, as metrics indicate poor data quality at this position in the gnomAD database. This sequence change replaces glycine, which is neutral and non-polar, with valine, which is neutral and non-polar, at codon 42 of the TRPV4 protein (p.Gly42Val).

NM_021625.5(TRPV4):c.125G>T (p.Gly42Val)

Gene: TRPV4 (transient receptor potential cation channel subfamily V member 4; minus strand). Cytogenetic location: 12q24.11.
Variant type: single nucleotide variant.
Coding change: c.125G>T on transcript NM_021625.5 (MANE Select); coding-DNA position 125, G replaced by T.
Protein change: p.Gly42Val; replaces glycine 42 with valine.
Molecular consequence: missense variant. On other transcripts: intron variant (1).
Genome position (GRCh38, 1-based): chr12:109,814,672, C>A on the plus strand (G>T on the coding strand, the complement: TRPV4 is on the minus strand). VCF-style: chr12-109814672-C-A. GRCh37 (hg19) VCF-style: chr12-110252477-C-A.
Other names: c.125G>T, p.Gly42Val (NM_001177428.2, NM_001177433.2, NM_147204.3); c.79+46G>T (NM_001177431.1); short protein forms G42V.
Identifiers: ClinVar variation 1916823 (VCV001916823.5), dbSNP rs140171425, ClinGen allele CA6780617.